The following is an entry in ClinVar:

ClinVar aggregate classification (germline): Likely benign. Review status: criteria provided, single submitter (1 of 4 stars). 2 submissions from 2 submitters: Likely benign (1). 1 of the submissions does not count toward it. Last evaluated 2026-01-04.

Conditions:
EXT2-related disorder. Also called: EXT2-related condition.
Exostoses, multiple, type 2 (EXT2). Also called: Hereditary Multiple Osteochondromatosis, Type II; EXOSTOSES, MULTIPLE, TYPE II. Identifiers: Orphanet 321, MedGen C1851413, MONDO:0007586, OMIM 133701.

Allele frequency attached by ClinVar (database versions not stated): ExAC 0.00003; gnomAD 0.00004 and 0.00005; gnomAD exomes 0.00004 and 0.00014; TOPMed 0.00008.
gnomAD v4.1: 203 of 1,613,596 alleles (0.013%); highest among the groups gnomAD compares: Non-Finnish European, 0.017%; no homozygotes.

Submissions (2):

Labcorp Genetics (formerly Invitae), Labcorp
Classification: Likely benign for Exostoses, multiple, type 2. Last evaluated: 2026-01-04. Review status: criteria provided, single submitter. Criteria: Invitae Variant Classification Sherloc (09022015). Collection method: clinical testing. Allele origin: germline.

PreventionGenetics, part of Exact Sciences
Classification: Uncertain significance for EXT2-related condition. Last evaluated: 2024-07-11. Review status: no assertion criteria provided. Collection method: clinical testing. Allele origin: germline. Not counted in ClinVar's aggregate classification.
Comment: The EXT2 c.728C>G variant is predicted to result in the amino acid substitution p.Pro243Arg. To our knowledge, this variant has not been reported in the literature. This variant is reported in 0.0085% of alleles in individuals of European (Non-Finnish) descent in gnomAD. This variant is classified as a variant of uncertain significance by one lab in ClinVar. At this time, the clinical significance of this variant is uncertain due to the absence of conclusive functional and genetic evidence.

NM_207122.2(EXT2):c.728C>G (p.Pro243Arg)

Gene: EXT2 (exostosin glycosyltransferase 2; plus strand). Cytogenetic location: 11p11.2.
Variant type: single nucleotide variant.
Coding change: c.728C>G on transcript NM_207122.2 (MANE Select); coding-DNA position 728, C replaced by G.
Protein change: p.Pro243Arg; replaces proline 243 with arginine.
Molecular consequence: missense variant.
Genome position (GRCh38, 1-based): chr11:44,114,286, C>G. VCF-style: chr11-44114286-C-G. GRCh37 (hg19) VCF-style: chr11-44135836-C-G.
Other names: c.827C>G, p.Pro276Arg (NM_000401.3); c.728C>G, p.Pro243Arg (NM_001178083.3); c.728C>G (NM_207122.1); short protein forms P243R, P276R.
Identifiers: ClinVar variation 1014547 (VCV001014547.10), dbSNP rs200032672, ClinGen allele CA5954980.
Genomic context (GRCh38, chr11:44,114,286, plus strand): 5'-GGCAAGGCTACGATGTCAGCATTCCTGTCTATAGTCCACTGTCAGCTGAGGTGGATCTTC[C>G]AGAGAAAGGACCAGGGTAAGGTACATTCATCCCAGCCAGGTGTGCCTTTACTGAATCTGT-3'
Protein context (NP_997005.1, residues 233-253): YSPLSAEVDL[Pro243Arg]EKGPGPRQYF